The following is an entry in ClinVar:

NM_145239.3(PRRT2):c.866C>A (p.Ala289Asp)

Genes: MVP-DT (MVP divergent transcript; minus strand), PRRT2 (proline rich transmembrane protein 2; plus strand). Cytogenetic location: 16p11.2.
Variant type: single nucleotide variant.
Coding change: c.866C>A on transcript NM_145239.3 (MANE Select); coding-DNA position 866, C replaced by A.
Protein change: p.Ala289Asp; replaces alanine 289 with aspartic acid.
Molecular consequence: missense variant.
Genome position (GRCh38, 1-based): chr16:29,813,920, C>A. VCF-style: chr16-29813920-C-A. GRCh37 (hg19) VCF-style: chr16-29825241-C-A.
Other names: c.866C>A, p.Ala289Asp (NM_001256442.2, NM_001256443.2); short protein forms A289D.
Identifiers: ClinVar variation 2828783 (VCV002828783.3), dbSNP rs1446585759, ClinGen allele CA395480197.
Genomic context (GRCh38, chr16:29,813,920, plus strand): 5'-TCATCCTTGCCATCCTGTCCTGCTTCTGCCCCATGTGGCCTGTCAACATCGTGGCCTTCG[C>A]TTATGCTGTCATGGTGAGCCCCATGGGACCCTAGCCCAGGCCTGCTGTGGCTCCCAGCTT-3'
Protein context (NP_660282.2, residues 279-299): PMWPVNIVAF[Ala289Asp]YAVMSRNSLQ

ClinVar aggregate classification (germline): Uncertain significance (1 of 4 stars; one submission).

Conditions:
Episodic kinesigenic dyskinesia (EKD). Also called: Paroxysmal kinesigenic dyskinesia. Identifiers: Orphanet 98809, MedGen C1868682, MONDO:0044202.

Submission:

Labcorp Genetics (formerly Invitae), Labcorp
Classification: Uncertain significance for Episodic kinesigenic dyskinesia. Last evaluated: 2023-01-15. Review status: criteria provided, single submitter. Criteria: Invitae Variant Classification Sherloc (09022015). Collection method: clinical testing. Allele origin: germline.
Comment: Advanced modeling of protein sequence and biophysical properties (such as structural, functional, and spatial information, amino acid conservation, physicochemical variation, residue mobility, and thermodynamic stability) performed at Invitae indicates that this missense variant is not expected to disrupt PRRT2 protein function. In summary, the available evidence is currently insufficient to determine the role of this variant in disease. Therefore, it has been classified as a Variant of Uncertain Significance. This variant has not been reported in the literature in individuals affected with PRRT2-related conditions. This variant is not present in population databases (gnomAD no frequency). This sequence change replaces alanine, which is neutral and non-polar, with aspartic acid, which is acidic and polar, at codon 289 of the PRRT2 protein (p.Ala289Asp).